The following is an entry in ClinVar:

ClinVar aggregate classification (germline): Uncertain significance (1 of 4 stars; one submission).

gnomAD v4.1: 1 of 1,614,064 alleles (0.000062%); no homozygotes.

Submission:

Labcorp Genetics (formerly Invitae), Labcorp
Classification: Uncertain significance. Last evaluated: 2024-04-29. Review status: criteria provided, single submitter. Criteria: Invitae Variant Classification Sherloc (09022015). Collection method: clinical testing. Allele origin: germline.
Comment: This sequence change replaces phenylalanine, which is neutral and non-polar, with serine, which is neutral and polar, at codon 3988 of the FAT4 protein (p.Phe3988Ser). This variant is present in population databases (no rsID available, gnomAD no frequency). This variant has not been reported in the literature in individuals affected with FAT4-related conditions. Advanced modeling of protein sequence and biophysical properties (such as structural, functional, and spatial information, amino acid conservation, physicochemical variation, residue mobility, and thermodynamic stability) performed at Invitae indicates that this missense variant is not expected to disrupt FAT4 protein function with a negative predictive value of 95%. In summary, the available evidence is currently insufficient to determine the role of this variant in disease. Therefore, it has been classified as a Variant of Uncertain Significance.

NM_001291303.3(FAT4):c.11969T>C (p.Phe3990Ser)

Gene: FAT4 (FAT atypical cadherin 4; plus strand). Cytogenetic location: 4q28.1.
Variant type: single nucleotide variant.
Coding change: c.11969T>C on transcript NM_001291303.3 (MANE Select); coding-DNA position 11969, T replaced by C.
Protein change: p.Phe3990Ser; replaces phenylalanine 3990 with serine.
Molecular consequence: missense variant.
Genome position (GRCh38, 1-based): chr4:125,468,575, T>C. VCF-style: chr4-125468575-T-C. GRCh37 (hg19) VCF-style: chr4-126389730-T-C.
Other names: c.11969T>C, p.Phe3990Ser (NM_001291285.3); c.11963T>C, p.Phe3988Ser (NM_024582.6); short protein forms F3988S, F3990S.
Identifiers: ClinVar variation 2824062 (VCV002824062.3), dbSNP rs1274043535, ClinGen allele CA358127607.